The following is an entry in ClinVar:

ClinVar aggregate classification (germline): Uncertain significance (1 of 4 stars; one submission).

Allele frequency attached by ClinVar (database versions not stated): gnomAD 0.00001.
gnomAD v4.1: 8 of 1,469,952 alleles (0.00054%); highest among the groups gnomAD compares: Non-Finnish European, 0.00072%; no homozygotes.

Submission:

Labcorp Genetics (formerly Invitae), Labcorp
Classification: Uncertain significance. Last evaluated: 2023-07-21. Review status: criteria provided, single submitter. Criteria: Invitae Variant Classification Sherloc (09022015). Collection method: clinical testing. Allele origin: germline.
Comment: In summary, the available evidence is currently insufficient to determine the role of this variant in disease. Therefore, it has been classified as a Variant of Uncertain Significance. Advanced modeling of protein sequence and biophysical properties (such as structural, functional, and spatial information, amino acid conservation, physicochemical variation, residue mobility, and thermodynamic stability) performed at Invitae indicates that this missense variant is not expected to disrupt APC2 protein function. ClinVar contains an entry for this variant (Variation ID: 1993322). This variant has not been reported in the literature in individuals affected with APC2-related conditions. This sequence change replaces aspartic acid, which is acidic and polar, with histidine, which is basic and polar, at codon 1387 of the APC2 protein (p.Asp1387His). This variant is not present in population databases (gnomAD no frequency).

NM_005883.3(APC2):c.4159G>C (p.Asp1387His)

Gene: APC2 (APC regulator of Wnt signaling pathway 2; plus strand). Cytogenetic location: 19p13.3.
Variant type: single nucleotide variant.
Coding change: c.4159G>C on transcript NM_005883.3 (MANE Select); coding-DNA position 4159, G replaced by C.
Protein change: p.Asp1387His; replaces aspartic acid 1387 with histidine.
Molecular consequence: missense variant.
Genome position (GRCh38, 1-based): chr19:1,467,460, G>C. VCF-style: chr19-1467460-G-C. GRCh37 (hg19) VCF-style: chr19-1467459-G-C.
Other names: c.4156G>C, p.Asp1386His (NM_001351273.1); short protein forms D1387H, D1386H.
Identifiers: ClinVar variation 1993322 (VCV001993322.4), dbSNP rs1317402362, ClinGen allele CA403034533.
Genomic context (GRCh38, chr19:1,467,460, plus strand): 5'-CGCGCACTCCCCGTGCCCGTCTACATGTTGGTGCCCGCCCCGGCCCCGGCCCAGGAGGAC[G>C]ACTCCTGCACTGACTCCGCGGAGGGCACGCCGGTCAACTTCTCTAGCGCCGCCTCGCTCA-3'
Protein context (NP_005874.1, residues 1377-1397): VPAPAPAQED[Asp1387His]SCTDSAEGTP